The following is an entry in ClinVar:

ClinVar aggregate classification (germline): Conflicting classifications of pathogenicity. Review status: criteria provided, conflicting classifications (1 of 4 stars). 4 submissions from 4 submitters: Likely pathogenic (2); Uncertain significance (2). Last evaluated 2026-01-14.

Conditions:
MYH7-related disorder. Also called: MYH7-related condition; MYH7-related disease; MYH7-related disorders.
Cardiomyopathy (CMYO). Also called: Cardiomyopathies. Identifiers: Orphanet 167848, MedGen C0878544, MONDO:0004994, HP:0001638. Inheritance: Various modes of inheritance.
Hypertrophic cardiomyopathy. Also called: HYPERTROPHIC MYOCARDIOPATHY. Identifiers: Orphanet 217569, MedGen C0007194, MeSH D002312, MONDO:0005045, HP:0001639.
Primary dilated cardiomyopathy (DCM). Also called: Dilated Cardiomyopathy. Identifiers: Orphanet 217604, MedGen C0007193, MeSH D002311, MONDO:0005021, HP:0001644. Inheritance: Various modes of inheritance.

Submissions (4):

Labcorp Genetics (formerly Invitae), Labcorp
Classification: Uncertain significance for Hypertrophic cardiomyopathy. Last evaluated: 2026-01-14. Review status: criteria provided, single submitter. Criteria: Invitae Variant Classification Sherloc (09022015). Collection method: clinical testing. Allele origin: germline.
Comment: This sequence change replaces glutamic acid, which is acidic and polar, with glutamine, which is neutral and polar, at codon 874 of the MYH7 protein (p.Glu874Gln). This variant is not present in population databases (gnomAD no frequency). This missense change has been observed in individual(s) with dilated cardiomyopathy (PMID: 29961767). ClinVar contains an entry for this variant (Variation ID: 3387333). Invitae Evidence Modeling of protein sequence and biophysical properties (such as structural, functional, and spatial information, amino acid conservation, physicochemical variation, residue mobility, and thermodynamic stability) indicates that this missense variant is expected to disrupt MYH7 protein function with a positive predictive value of 95%. In summary, the available evidence is currently insufficient to determine the role of this variant in disease. Therefore, it has been classified as a Variant of Uncertain Significance.

Blueprint Genetics
Classification: Likely pathogenic for MYH7-related disorders. Last evaluated: 2024-03-13. Review status: criteria provided, single submitter. Criteria: ACMG Guidelines, 2015. Collection method: clinical testing. Allele origin: germline. Affected: yes. Observed: 5 variant alleles.

Color Diagnostics, LLC DBA Color Health
Classification: Uncertain significance for Cardiomyopathy. Last evaluated: 2024-01-28. Review status: criteria provided, single submitter. Criteria: ACMG Guidelines, 2015. Collection method: clinical testing. Allele origin: germline.
Comment: This missense variant replaces glutamic acid with glutamine at codon 874 of the MYH7 protein. Computational prediction tools indicate that this variant has a deleterious impact on protein structure and function. This variant is found within a highly conserved region of the myosin head domain. Missense variants in this region have been shown to be significantly overrepresented in individuals affected with hypertrophic cardiomyopathy (PMID: 27532257). To our knowledge, functional studies have not been reported for this variant. This variant has been reported in one individual affected with dilated cardiomyopathy (PMID: 29892087, 29961767). This variant has not been identified in the general population by the Genome Aggregation Database (gnomAD). The available evidence is insufficient to determine the role of this variant in disease conclusively. Therefore, this variant is classified as a Variant of Uncertain Significance.

All of Us Research Program, National Institutes of Health
Classification: Likely pathogenic for Primary dilated cardiomyopathy. Last evaluated: 2023-11-07. Review status: criteria provided, single submitter. Criteria: ACMG Guidelines, 2015. Collection method: clinical testing. Allele origin: germline. Inheritance: Autosomal dominant inheritance. Observed: 1 variant allele, 1 heterozygote.
Comment: The c.2620G>C (p.Glu874Gln) variant of the MYH7 gene has been identified in at least two individuals with Dilated Cardiomyopathy (DCM) (PMID: 29961767, 29892087). This variant lies in the established functional domain of the MYH7 protein without benign variations (amino acids 181-937) and missense variants in this region are more likely to be disease-associated (PMID: 29300372). In-silico computational prediction suggests that this variant may have deleterious effect on the protein function (REVEL score: 0.725). This variant is found to be absent in the general population database (gnomAD). Therefore, the c.2620G>C (p.Glu874Gln) variant in the MYH7 gene is classified as likely pathogenic.

This study involves interpretation of variants in research participants for the purpose of population health screening. Participant phenotype was not available at the time of variant classification. Additional details can be found in publication PMID: 35346344, PMCID: PMC8962531

Literature cited by the submitters: PubMed 29961767 (cited by 3 submitters); PubMed 27532257 (cited by Color Diagnostics, LLC DBA Color Health); PubMed 29892087 (cited by Color Diagnostics, LLC DBA Color Health and All of Us Research Program, National Institutes of Health); PubMed 29300372 (cited by All of Us Research Program, National Institutes of Health).

NM_000257.4(MYH7):c.2620G>C (p.Glu874Gln)

Genes: MYH7 (myosin heavy chain 7; minus strand), LOC126861898 (BRD4-independent group 4 enhancer GRCh37_chr14:23893609-23894808; plus strand). Cytogenetic location: 14q11.2.
Variant type: single nucleotide variant.
Coding change: c.2620G>C on transcript NM_000257.4 (MANE Select); coding-DNA position 2620, G replaced by C.
Protein change: p.Glu874Gln; replaces glutamic acid 874 with glutamine.
Molecular consequence: missense variant.
Genome position (GRCh38, 1-based): chr14:23,424,828, C>G on the plus strand (G>C on the coding strand, the complement: MYH7 is on the minus strand). VCF-style: chr14-23424828-C-G. GRCh37 (hg19) VCF-style: chr14-23894037-C-G.
Other names: c.2620G>C, p.Glu874Gln (NM_001407004.1); short protein forms E874Q.
Identifiers: ClinVar variation 3387333 (VCV003387333.4).
Genomic context (GRCh38, chr14:23,424,828, plus strand): 5'-CCGCCTGCACTTGGAGCTGCAGGTCATTCTTCTCCTGCAGCAGGGACACCATCTTCTCCT[C>G]CAGCTCCTTGCGGCGAGCCTCGGACTTCTCTAGCGCCTCTTTGAGGCGTGTGAACTCCTC-3'
Protein context (NP_000248.2, residues 864-884): EKSEARRKEL[Glu874Gln]EKMVSLLQEK